The following is an entry in ClinVar:

ClinVar aggregate classification (germline): Conflicting classifications of pathogenicity. Review status: criteria provided, conflicting classifications (1 of 4 stars). 4 submissions from 4 submitters: Uncertain significance (3); Likely benign (1). Last evaluated 2024-12-03.

Conditions:
Microphthalmia with brain and digit anomalies (MCOPS6). Also called: MICROPHTHALMIA AND PITUITARY ANOMALIES; Microphthalmia, syndromic 6. Identifiers: Orphanet 139471, MedGen C1864689, MONDO:0011936, OMIM 607932.
Orofacial cleft 11 (OFC11). Also called: CLEFT LIP WITH OR WITHOUT CLEFT PALATE, NONSYNDROMIC, 11; Orofacial cleft 11; ofc11. Identifiers: MedGen C2677434, MONDO:0010906, OMIM 600625.
BMP4-related disorder. Also called: BMP4-related condition.

Allele frequency attached by ClinVar (database versions not stated): TOPMed 0.00002; gnomAD exomes 0.00003 and 0.00004; ExAC 0.00004; gnomAD 0.00007 and 0.00008; 1000 Genomes Project 0.00020; 1000 Genomes Project 30x 0.00031.
gnomAD v4.1: 53 of 1,613,960 alleles (0.0033%); highest among the groups gnomAD compares: East Asian, 0.0045%; no homozygotes.

Submissions (4):

Labcorp Genetics (formerly Invitae), Labcorp
Classification: Uncertain significance for Microphthalmia with brain and digit anomalies; Orofacial cleft 11. Last evaluated: 2024-12-03. Review status: criteria provided, single submitter. Criteria: Invitae Variant Classification Sherloc (09022015). Collection method: clinical testing. Allele origin: germline.
Comment: This sequence change replaces arginine, which is basic and polar, with tryptophan, which is neutral and slightly polar, at codon 300 of the BMP4 protein (p.Arg300Trp). This variant is present in population databases (rs182373336, gnomAD 0.02%). This variant has not been reported in the literature in individuals affected with BMP4-related conditions. ClinVar contains an entry for this variant (Variation ID: 388306). Invitae Evidence Modeling of protein sequence and biophysical properties (such as structural, functional, and spatial information, amino acid conservation, physicochemical variation, residue mobility, and thermodynamic stability) indicates that this missense variant is not expected to disrupt BMP4 protein function with a negative predictive value of 80%. In summary, the available evidence is currently insufficient to determine the role of this variant in disease. Therefore, it has been classified as a Variant of Uncertain Significance.

PreventionGenetics, part of Exact Sciences
Classification: Uncertain significance for BMP4-related condition. Last evaluated: 2024-11-22. Review status: criteria provided, single submitter. Criteria: ACMG Guidelines, 2015. Collection method: clinical testing. Allele origin: germline.
Comment: The BMP4 c.898C>T variant is predicted to result in the amino acid substitution p.Arg300Trp. To our knowledge, this variant has not been reported in the literature. This variant is reported in 0.012% of alleles in individuals of European (Finnish) descent in gnomAD. At this time, the clinical significance of this variant is uncertain due to the absence of conclusive functional and genetic evidence.

CeGaT Center for Human Genetics Tuebingen
Classification: Likely benign. Last evaluated: 2021-07-01. Review status: criteria provided, single submitter. Criteria: CeGaT Center For Human Genetics Tuebingen Variant Classification Criteria Version 2. Collection method: clinical testing. Allele origin: germline. Affected: yes. Observed: 1 variant allele.

GeneDx
Classification: Uncertain significance. Last evaluated: 2019-06-20. Review status: criteria provided, single submitter. Criteria: GeneDx Variant Classification Process June 2021. Collection method: clinical testing. Allele origin: germline. Affected: yes.
Comment: In silico analysis, which includes protein predictors and evolutionary conservation, supports a deleterious effect; Has not been previously published as pathogenic or benign to our knowledge

NM_001202.6(BMP4):c.898C>T (p.Arg300Trp)

Gene: BMP4 (bone morphogenetic protein 4; minus strand). Cytogenetic location: 14q22.2.
Variant type: single nucleotide variant.
Coding change: c.898C>T on transcript NM_001202.6 (MANE Select); coding-DNA position 898, C replaced by T.
Protein change: p.Arg300Trp; replaces arginine 300 with tryptophan.
Molecular consequence: missense variant.
Genome position (GRCh38, 1-based): chr14:53,950,361, G>A on the plus strand (C>T on the coding strand, the complement: BMP4 is on the minus strand). VCF-style: chr14-53950361-G-A. GRCh37 (hg19) VCF-style: chr14-54417079-G-A.
Other names: c.1039C>T, p.Arg347Trp (NM_001347912.1); c.709C>T, p.Arg237Trp (NM_001347913.2, NM_001347915.2, NM_001347917.1); c.898C>T, p.Arg300Trp (NM_001347914.2, NM_001347916.1, NM_130850.5 and 1 more transcripts); c.898C>T (NM_001202.5); short protein forms R300W, R237W, R347W.
Identifiers: ClinVar variation 388306 (VCV000388306.45), dbSNP rs182373336, ClinGen allele CA7191650.
Genomic context (GRCh38, chr14:53,950,361, plus strand): 5'-CATCGCTGAAGTCCACATAGAGCGAGTGGCGCCGGCAGTTCTTATTCTTCTTCCTGGCCC[G>A]CTGTGAGTGATGCTTAGGGCTACGCTTGGCCCTCCGGCGTCGGGTCAAGGCATGGCCCCG-3'
Protein context (NP_001193.2, residues 290-310): AKRSPKHHSQ[Arg300Trp]ARKKNKNCRR